The following is an entry in ClinVar:

NM_004211.5(SLC6A5):c.2122T>C (p.Tyr708His)

Gene: SLC6A5 (solute carrier family 6 member 5; plus strand). Cytogenetic location: 11p15.1.
Variant type: single nucleotide variant.
Coding change: c.2122T>C on transcript NM_004211.5 (MANE Select); coding-DNA position 2122, T replaced by C.
Protein change: p.Tyr708His; replaces tyrosine 708 with histidine.
Molecular consequence: missense variant.
Genome position (GRCh38, 1-based): chr11:20,652,340, T>C. VCF-style: chr11-20652340-T-C. GRCh37 (hg19) VCF-style: chr11-20673886-T-C.
Other names: c.2122T>C (NM_004211.3); c.1420T>C, p.Tyr474His (NM_001318369.2); short protein forms Y708H, Y474H.
Identifiers: ClinVar variation 1356411 (VCV001356411.8), dbSNP rs2133825057, ClinGen allele CA379915973.
Genomic context (GRCh38, chr11:20,652,340, plus strand): 5'-TCTTTCCAGTTTATCCTTTGCTTCAGCTTTTACCAGTGGGAGCCCATGACCTATGGCTCT[T>C]ACCGCTATCCTAACTGGTCCATGGTGCTCGGATGGCTAATGCTCGCCTGTTCCGTCATCT-3'
Protein context (NP_004202.4, residues 698-718): YQWEPMTYGS[Tyr708His]RYPNWSMVLG

ClinVar aggregate classification (germline): Uncertain significance. Review status: criteria provided, multiple submitters, no conflicts (2 of 4 stars). 2 submissions from 2 submitters: Uncertain significance (2). Last evaluated 2023-03-26.

Conditions:
Hyperekplexia 3 (HKPX3). Also called: HYPEREKPLEXIA 3, AUTOSOMAL RECESSIVE; HYPEREKPLEXIA 3, AUTOSOMAL DOMINANT. Identifiers: Orphanet 3197, MedGen C3553288, MONDO:0013827, OMIM 614618.

Submissions (2):

GeneDx
Classification: Uncertain significance. Last evaluated: 2023-03-26. Review status: criteria provided, single submitter. Criteria: GeneDx Variant Classification Process June 2021. Collection method: clinical testing. Allele origin: germline. Affected: yes.
Comment: Not observed at significant frequency in large population cohorts (gnomAD); In silico analysis supports that this missense variant has a deleterious effect on protein structure/function; Has not been previously published as pathogenic or benign to our knowledge

Labcorp Genetics (formerly Invitae), Labcorp
Classification: Uncertain significance for Hyperekplexia 3. Last evaluated: 2022-01-13. Review status: criteria provided, single submitter. Criteria: Invitae Variant Classification Sherloc (09022015). Collection method: clinical testing. Allele origin: germline.
Comment: This variant is not present in population databases (gnomAD no frequency). This sequence change replaces tyrosine, which is neutral and polar, with histidine, which is basic and polar, at codon 708 of the SLC6A5 protein (p.Tyr708His). This variant has not been reported in the literature in individuals affected with SLC6A5-related conditions. In summary, the available evidence is currently insufficient to determine the role of this variant in disease. Therefore, it has been classified as a Variant of Uncertain Significance. Advanced modeling of protein sequence and biophysical properties (such as structural, functional, and spatial information, amino acid conservation, physicochemical variation, residue mobility, and thermodynamic stability) performed at Invitae indicates that this missense variant is expected to disrupt SLC6A5 protein function.